The following is an entry in ClinVar:

NM_177438.3(DICER1):c.3439G>A (p.Asp1147Asn)

Gene: DICER1 (dicer 1, ribonuclease III; minus strand). Cytogenetic location: 14q32.13.
Variant type: single nucleotide variant.
Coding change: c.3439G>A on transcript NM_177438.3 (MANE Select); coding-DNA position 3439, G replaced by A.
Protein change: p.Asp1147Asn; replaces aspartic acid 1147 with asparagine.
Molecular consequence: missense variant.
Genome position (GRCh38, 1-based): chr14:95,103,957, C>T on the plus strand (G>A on the coding strand, the complement: DICER1 is on the minus strand). VCF-style: chr14-95103957-C-T. GRCh37 (hg19) VCF-style: chr14-95570294-C-T.
Other names: c.3439G>A, p.Asp1147Asn (NM_001195573.1, NM_001271282.3, NM_001291628.2 and 1 more transcripts); short protein forms D1147N.
Identifiers: ClinVar variation 999236 (VCV000999236.10), dbSNP rs1891166339, ClinGen allele CA390875435.
Genomic context (GRCh38, chr14:95,103,957, plus strand): 5'-CAACGTGGAGCTTACCAGGGGACTCGCTGAGCAACGTTCTGCAGTTCACAGACATTTGGT[C>T]ATGATTTTCTAGAGAGGAGGTTCTATTAGCACCTTGATGTGCAGCATTTTCAGGGACAAT-3'
Protein context (NP_803187.1, residues 1137-1157): ANRTSSLENH[Asp1147Asn]QMSVNCRTLL

ClinVar aggregate classification (germline): Uncertain significance (1 of 4 stars; one submission).

Conditions:
DICER1-related tumor predisposition. Also called: DICER1 syndrome; DICER1-related pleuropulmonary blastoma cancer predisposition syndrome. Identifiers: Orphanet 284343, MedGen C3839822, MONDO:0100216.

Submission:

Labcorp Genetics (formerly Invitae), Labcorp
Classification: Uncertain significance for DICER1-related tumor predisposition. Last evaluated: 2018-06-02. Review status: criteria provided, single submitter. Criteria: Invitae Variant Classification Sherloc (09022015). Collection method: clinical testing. Allele origin: germline.
Comment: This sequence change replaces aspartic acid with asparagine at codon 1147 of the DICER1 protein (p.Asp1147Asn). The aspartic acid residue is moderately conserved and there is a small physicochemical difference between aspartic acid and asparagine. This variant is not present in population databases (ExAC no frequency). This variant has not been reported in the literature in individuals with DICER1-related disease. Algorithms developed to predict the effect of missense changes on protein structure and function are either unavailable or do not agree on the potential impact of this missense change (SIFT: "Tolerated"; PolyPhen-2: "Benign"; Align-GVGD: "Class C0"). In summary, the available evidence is currently insufficient to determine the role of this variant in disease. Therefore, it has been classified as a Variant of Uncertain Significance.